The following is an entry in ClinVar:

ClinVar aggregate classification (germline): Uncertain significance. Review status: criteria provided, multiple submitters, no conflicts (2 of 4 stars). 3 submissions from 3 submitters: Uncertain significance (3). Last evaluated 2024-11-24.

Conditions:
Hereditary spherocytosis type 1. Also called: Spherocytosis type 1; ANK1-Related Spherocytosis. Identifiers: Orphanet 822, MedGen C2674218, MONDO:0008447, OMIM 182900.
Inborn genetic diseases. Identifiers: MedGen C0950123, MeSH D030342.

gnomAD v4.1: 49 of 1,614,004 alleles (0.003%); highest among the groups gnomAD compares: Admixed American, 0.005%; no homozygotes.

Submissions (3):

Ambry Genetics
Classification: Uncertain significance for Inborn genetic diseases. Last evaluated: 2024-11-24. Review status: criteria provided, single submitter. Criteria: Ambry Variant Classification Scheme 2023. Collection method: clinical testing. Allele origin: germline.

Labcorp Genetics (formerly Invitae), Labcorp
Classification: Uncertain significance. Last evaluated: 2024-09-28. Review status: criteria provided, single submitter. Criteria: Invitae Variant Classification Sherloc (09022015). Collection method: clinical testing. Allele origin: germline.
Comment: This sequence change replaces arginine, which is basic and polar, with tryptophan, which is neutral and slightly polar, at codon 1311 of the ANK1 protein (p.Arg1311Trp). This variant is present in population databases (rs778348778, gnomAD 0.01%). This variant has not been reported in the literature in individuals affected with ANK1-related conditions. Invitae Evidence Modeling of protein sequence and biophysical properties (such as structural, functional, and spatial information, amino acid conservation, physicochemical variation, residue mobility, and thermodynamic stability) indicates that this missense variant is not expected to disrupt ANK1 protein function with a negative predictive value of 80%. In summary, the available evidence is currently insufficient to determine the role of this variant in disease. Therefore, it has been classified as a Variant of Uncertain Significance.

Revvity Omics, Revvity
Classification: Uncertain significance for Hereditary spherocytosis type 1. Last evaluated: 2024-05-07. Review status: criteria provided, single submitter. Criteria: ACMG Guidelines, 2015. Collection method: clinical testing. Allele origin: germline.

NM_000037.4(ANK1):c.3931C>T (p.Arg1311Trp)

Gene: ANK1 (ankyrin 1; minus strand). Cytogenetic location: 8p11.21.
Variant type: single nucleotide variant.
Coding change: c.3931C>T on transcript NM_000037.4 (MANE Select); coding-DNA position 3931, C replaced by T.
Protein change: p.Arg1311Trp; replaces arginine 1311 with tryptophan.
Molecular consequence: missense variant.
Genome position (GRCh38, 1-based): chr8:41,690,527, G>A on the plus strand (C>T on the coding strand, the complement: ANK1 is on the minus strand). VCF-style: chr8-41690527-G-A. GRCh37 (hg19) VCF-style: chr8-41548045-G-A.
Other names: c.4054C>T, p.Arg1352Trp (NM_001142446.2); c.3931C>T, p.Arg1311Trp (NM_020475.3, NM_020476.3, NM_020477.3); short protein forms R1352W, R1311W.
Identifiers: ClinVar variation 3538695 (VCV003538695.4).